The following is an entry in ClinVar:

NM_001172509.2(SATB2):c.1565G>T (p.Arg522Leu)

Gene: SATB2 (SATB homeobox 2; minus strand). Cytogenetic location: 2q33.1.
Variant type: single nucleotide variant.
Coding change: c.1565G>T on transcript NM_001172509.2 (MANE Select); coding-DNA position 1565, G replaced by T.
Protein change: p.Arg522Leu; replaces arginine 522 with leucine.
Molecular consequence: missense variant.
Genome position (GRCh38, 1-based): chr2:199,308,935, C>A on the plus strand (G>T on the coding strand, the complement: SATB2 is on the minus strand). VCF-style: chr2-199308935-C-A. GRCh37 (hg19) VCF-style: chr2-200173658-C-A.
Other names: c.1565G>T, p.Arg522Leu (NM_001172517.1, NM_015265.4); short protein forms R522L.
Identifiers: ClinVar variation 1775357 (VCV001775357.2), dbSNP rs1687516758, ClinGen allele CA350384642.

ClinVar aggregate classification (germline): Uncertain significance (1 of 4 stars; one submission).

Conditions:
Inborn genetic diseases. Identifiers: MedGen C0950123, MeSH D030342.

Submission:

Ambry Genetics
Classification: Uncertain significance for Inborn genetic diseases. Last evaluated: 2017-11-29. Review status: criteria provided, single submitter. Criteria: Ambry Variant Classification Scheme 2023. Collection method: clinical testing. Allele origin: germline.
Comment: The p.R522L variant (also known as c.1565G>T), located in coding exon 9 of the SATB2 gene, results from a G to T substitution at nucleotide position 1565. The arginine at codon 522 is replaced by leucine, an amino acid with dissimilar properties. This amino acid position is highly conserved in available vertebrate species. In addition, this alteration is predicted to be deleterious by in silico analysis. Since supporting evidence is limited at this time, the clinical significance of this alteration remains unclear.